The following is an entry in ClinVar:

NM_001126108.2(SLC12A3):c.2660G>C (p.Arg887Pro)

Gene: SLC12A3 (solute carrier family 12 member 3; plus strand). Cytogenetic location: 16q13.
Variant type: single nucleotide variant.
Coding change: c.2660G>C on transcript NM_001126108.2 (MANE Select); coding-DNA position 2660, G replaced by C.
Protein change: p.Arg887Pro; replaces arginine 887 with proline.
Molecular consequence: missense variant.
Genome position (GRCh38, 1-based): chr16:56,899,556, G>C. VCF-style: chr16-56899556-G-C. GRCh37 (hg19) VCF-style: chr16-56933468-G-C.
Other names: c.2687G>C, p.Arg896Pro (NM_000339.3); c.2684G>C, p.Arg895Pro (NM_001126107.2); c.2657G>C, p.Arg886Pro (NM_001410896.1); short protein forms R896P, R887P, R895P, R886P.
Identifiers: ClinVar variation 2902768 (VCV002902768.3), dbSNP rs369360334, ClinGen allele CA395998971.
Genomic context (GRCh38, chr16:56,899,556, plus strand): 5'-AGTAATAACAATAAACCCTCCATGTGTCCTCCAGGATCATTTCTCTGCTGAGCAAGTTCC[G>C]ACTGGGATTCCATGAAGTCCACATCCTCCCTGACATCAACCAGAACCCTCGGGCTGAGCA-3'
Protein context (NP_001119580.2, residues 877-897): KAIISLLSKF[Arg887Pro]LGFHEVHILP

ClinVar aggregate classification (germline): Likely pathogenic (1 of 4 stars; one submission).

Submission:

Labcorp Genetics (formerly Invitae), Labcorp
Classification: Likely pathogenic. Last evaluated: 2022-11-29. Review status: criteria provided, single submitter. Criteria: Invitae Variant Classification Sherloc (09022015). Collection method: clinical testing. Allele origin: germline.
Comment: In summary, the currently available evidence indicates that the variant is pathogenic, but additional data are needed to prove that conclusively. Therefore, this variant has been classified as Likely Pathogenic. This variant disrupts the p.Arg896 amino acid residue in SLC12A3. Other variant(s) that disrupt this residue have been determined to be pathogenic (PMID: 12772080, 18391953, 21415153, 22009145, 24830959, 27386324). This suggests that this residue is clinically significant, and that variants that disrupt this residue are likely to be disease-causing. Advanced modeling of protein sequence and biophysical properties (such as structural, functional, and spatial information, amino acid conservation, physicochemical variation, residue mobility, and thermodynamic stability) performed at Invitae indicates that this missense variant is expected to disrupt SLC12A3 protein function. This variant has not been reported in the literature in individuals affected with SLC12A3-related conditions. This variant is not present in population databases (gnomAD no frequency). This sequence change replaces arginine, which is basic and polar, with proline, which is neutral and non-polar, at codon 896 of the SLC12A3 protein (p.Arg896Pro).

Literature cited by the submitters: PubMed 12772080; PubMed 18391953; PubMed 21415153; PubMed 22009145; PubMed 24830959; PubMed 27386324.